The following is an entry in ClinVar:

NM_198253.3(TERT):c.1419G>A (p.Val473=)

Gene: TERT (telomerase reverse transcriptase; minus strand). Cytogenetic location: 5p15.33.
Variant type: single nucleotide variant.
Coding change: c.1419G>A on transcript NM_198253.3 (MANE Select); coding-DNA position 1419, G replaced by A.
Protein change: p.Val473=; no amino-acid change (valine 473 retained).
Molecular consequence: synonymous variant. On other transcripts: non-coding transcript variant (2).
Genome position (GRCh38, 1-based): chr5:1,293,467, C>T on the plus strand (G>A on the coding strand, the complement: TERT is on the minus strand). VCF-style: chr5-1293467-C-T. GRCh37 (hg19) VCF-style: chr5-1293582-C-T.
Other names: c.1419G>A, p.Val473= (NM_001193376.3); c.1419G>A (NM_198253.2).
Identifiers: ClinVar variation 1140121 (VCV001140121.11), dbSNP rs1396093690, ClinGen allele CA443240690.

ClinVar aggregate classification (germline): Conflicting classifications of pathogenicity. Review status: criteria provided, conflicting classifications (1 of 4 stars). 3 submissions from 3 submitters: Uncertain significance (1); Likely benign (2). Last evaluated 2024-10-21.

Conditions:
Idiopathic Pulmonary Fibrosis. Also called: Idiopathic fibrosing alveolitis, chronic form; idiopathic fibrosing alveolitis. Identifiers: Orphanet 2032, MedGen C1800706, MeSH D054990, MONDO:0800504.
Dyskeratosis congenita, autosomal dominant 2. Identifiers: MedGen C3151443, MONDO:0013521, OMIM 613989.
Dyskeratosis congenita. Identifiers: Orphanet 1775, MedGen C0265965, MONDO:0015780.

Allele frequency attached by ClinVar (database versions not stated): TOPMed below 0.00001; gnomAD 0.00001.
gnomAD v4.1: 1 of 1,607,114 alleles (0.000062%); highest among the groups gnomAD compares: African/African-American, 0.0013%; no homozygotes.

Submissions (3):

GeneDx
Classification: Uncertain significance. Last evaluated: 2024-10-21. Review status: criteria provided, single submitter. Criteria: GeneDx Variant Classification Process June 2021. Collection method: clinical testing. Allele origin: germline. Affected: yes.
Comment: Not observed at significant frequency in large population cohorts (gnomAD); In silico analysis indicates that this variant does not alter splicing; Has not been previously published as pathogenic or benign to our knowledge

Labcorp Genetics (formerly Invitae), Labcorp
Classification: Likely benign for Dyskeratosis congenita, autosomal dominant 2; Idiopathic Pulmonary Fibrosis. Last evaluated: 2023-08-17. Review status: criteria provided, single submitter. Criteria: Invitae Variant Classification Sherloc (09022015). Collection method: clinical testing. Allele origin: germline.

Ambry Genetics
Classification: Likely benign for Dyskeratosis congenita. Last evaluated: 2023-06-22. Review status: criteria provided, single submitter. Criteria: Ambry Variant Classification Scheme 2023. Collection method: clinical testing. Allele origin: germline.